The following is an entry in ClinVar:

NM_001369.3(DNAH5):c.8318T>C (p.Leu2773Pro)

Gene: DNAH5 (dynein axonemal heavy chain 5; minus strand). Cytogenetic location: 5p15.2.
Variant type: single nucleotide variant.
Coding change: c.8318T>C on transcript NM_001369.3 (MANE Select); coding-DNA position 8318, T replaced by C.
Protein change: p.Leu2773Pro; replaces leucine 2773 with proline.
Molecular consequence: missense variant.
Genome position (GRCh38, 1-based): chr5:13,792,124, A>G on the plus strand (T>C on the coding strand, the complement: DNAH5 is on the minus strand). VCF-style: chr5-13792124-A-G. GRCh37 (hg19) VCF-style: chr5-13792233-A-G.
Other names: short protein forms L2773P.
Identifiers: ClinVar variation 4760653 (VCV004760653.1).

ClinVar aggregate classification (germline): Uncertain significance (1 of 4 stars; one submission).

Conditions:
Primary ciliary dyskinesia. Also called: Ciliary dyskinesia. Identifiers: Orphanet 244, MedGen C0008780, MONDO:0016575, HP:0012265.

gnomAD v4.1: 1 of 1,614,086 alleles (0.000062%); highest among the groups gnomAD compares: East Asian, 0.0022%; no homozygotes.

Submission:

Labcorp Genetics (formerly Invitae), Labcorp
Classification: Uncertain significance for Primary ciliary dyskinesia. Last evaluated: 2025-07-13. Review status: criteria provided, single submitter. Criteria: Invitae Variant Classification Sherloc (09022015). Collection method: clinical testing. Allele origin: germline.
Comment: This sequence change replaces leucine, which is neutral and non-polar, with proline, which is neutral and non-polar, at codon 2773 of the DNAH5 protein (p.Leu2773Pro). This variant is not present in population databases (gnomAD no frequency). This variant has not been reported in the literature in individuals affected with DNAH5-related conditions. Invitae Evidence Modeling of protein sequence and biophysical properties (such as structural, functional, and spatial information, amino acid conservation, physicochemical variation, residue mobility, and thermodynamic stability) has been performed for this missense variant. However, the output from this modeling did not meet the statistical confidence thresholds required to predict the impact of this variant on DNAH5 protein function. In summary, the available evidence is currently insufficient to determine the role of this variant in disease. Therefore, it has been classified as a Variant of Uncertain Significance.